The following is an entry in ClinVar:

ClinVar aggregate classification (germline): Pathogenic (1 of 4 stars; one submission).

Conditions:
Autosomal recessive osteopetrosis 7. Identifiers: Orphanet 178389, MedGen C2676766, MONDO:0012859, OMIM 612301.

Allele frequency attached by ClinVar (database versions not stated): gnomAD exomes below 0.00001.
gnomAD v4.1: 1 of 1,243,722 alleles (0.00008%); highest among the groups gnomAD compares: Non-Finnish European, 0.0001%; no homozygotes.

Submission:

3billion
Classification: Pathogenic for Autosomal recessive osteopetrosis 7. Last evaluated: 2023-02-23. Review status: criteria provided, single submitter. Criteria: ACMG Guidelines, 2015. Collection method: clinical testing. Allele origin: unknown. Affected: yes.
Comment: The variant is not observed in the gnomAD v2.1.1 dataset. This homozygous variant was predicted to result in a loss or disruption of normal protein function through nonsense-mediated decay (NMD) or protein truncation. Multiple pathogenic variants are reported downstream of the variant. Therefore, this variant is classified as Pathogenic according to the recommendation of ACMG/AMP guideline.

NM_003839.4(TNFRSF11A):c.54C>A (p.Cys18Ter)

Gene: TNFRSF11A (TNF receptor superfamily member 11a; plus strand). Cytogenetic location: 18q21.33.
Variant type: single nucleotide variant.
Coding change: c.54C>A on transcript NM_003839.4 (MANE Select); coding-DNA position 54, C replaced by A.
Protein change: p.Cys18Ter; replaces cysteine 18 with a stop codon.
Molecular consequence: nonsense.
Genome position (GRCh38, 1-based): chr18:62,325,406, C>A. VCF-style: chr18-62325406-C-A. GRCh37 (hg19) VCF-style: chr18-59992639-C-A.
Other names: c.54C>A, p.Cys18Ter (NM_001270949.2, NM_001270950.2, NM_001270951.2 and 1 more transcripts); short protein forms C18*.
Identifiers: ClinVar variation 2444185 (VCV002444185.1), dbSNP rs2145223302, ClinGen allele CA402618737.